The following is an entry in ClinVar:

ClinVar aggregate classification (germline): Uncertain significance (1 of 4 stars; one submission).

Conditions:
Spermatogenic failure 18. Identifiers: MedGen C4539783, MONDO:0054615, OMIM 617576.
Ciliary dyskinesia, primary, 37 (CILD37). Also called: CILIARY DYSKINESIA, PRIMARY, 37, WITH OR WITHOUT SITUS INVERSUS. Identifiers: MedGen C4539798, MONDO:0033204, OMIM 617577.

Allele frequency attached by ClinVar (database versions not stated): gnomAD exomes below 0.00001; ExAC 0.00001; gnomAD 0.00001.
gnomAD v4.1: 7 of 1,613,384 alleles (0.00043%); highest among the groups gnomAD compares: Non-Finnish European, 0.00059%; no homozygotes.

Submission:

Labcorp Genetics (formerly Invitae), Labcorp
Classification: Uncertain significance for Ciliary dyskinesia, primary, 37; Spermatogenic failure 18. Last evaluated: 2024-12-07. Review status: criteria provided, single submitter. Criteria: Invitae Variant Classification Sherloc (09022015). Collection method: clinical testing. Allele origin: germline.
Comment: This sequence change replaces threonine, which is neutral and polar, with isoleucine, which is neutral and non-polar, at codon 732 of the DNAH1 protein (p.Thr732Ile). This variant is present in population databases (rs752242794, gnomAD 0.0009%). This variant has not been reported in the literature in individuals affected with DNAH1-related conditions. ClinVar contains an entry for this variant (Variation ID: 2145563). Invitae Evidence Modeling of protein sequence and biophysical properties (such as structural, functional, and spatial information, amino acid conservation, physicochemical variation, residue mobility, and thermodynamic stability) indicates that this missense variant is expected to disrupt DNAH1 protein function with a positive predictive value of 80%. In summary, the available evidence is currently insufficient to determine the role of this variant in disease. Therefore, it has been classified as a Variant of Uncertain Significance.

NM_015512.5(DNAH1):c.2195C>T (p.Thr732Ile)

Gene: DNAH1 (dynein axonemal heavy chain 1; plus strand). Cytogenetic location: 3p21.1.
Variant type: single nucleotide variant.
Coding change: c.2195C>T on transcript NM_015512.5 (MANE Select); coding-DNA position 2195, C replaced by T.
Protein change: p.Thr732Ile; replaces threonine 732 with isoleucine.
Molecular consequence: missense variant.
Genome position (GRCh38, 1-based): chr3:52,348,976, C>T. VCF-style: chr3-52348976-C-T. GRCh37 (hg19) VCF-style: chr3-52382992-C-T.
Other names: short protein forms T732I.
Identifiers: ClinVar variation 2145563 (VCV002145563.3), dbSNP rs752242794, ClinGen allele CA2433177.